The following is an entry in ClinVar:

NM_002880.4(RAF1):c.462C>G (p.Ile154Met)

Gene: RAF1 (Raf-1 proto-oncogene, serine/threonine kinase; minus strand). Cytogenetic location: 3p25.2.
Variant type: single nucleotide variant.
Coding change: c.462C>G on transcript NM_002880.4 (MANE Select); coding-DNA position 462, C replaced by G.
Protein change: p.Ile154Met; replaces isoleucine 154 with methionine.
Molecular consequence: missense variant. On other transcripts: non-coding transcript variant (3).
Genome position (GRCh38, 1-based): chr3:12,608,885, G>C on the plus strand (C>G on the coding strand, the complement: RAF1 is on the minus strand). VCF-style: chr3-12608885-G-C. GRCh37 (hg19) VCF-style: chr3-12650384-G-C.
Other names: c.462C>G, p.Ile154Met (NM_001354689.3, NM_001354690.3, NM_001354693.3); c.219C>G, p.Ile73Met (NM_001354691.3, NM_001354692.3, NM_001354694.3 and 1 more transcripts); short protein forms I154M, I73M.
Identifiers: ClinVar variation 220830 (VCV000220830.19), dbSNP rs367732360, ClinGen allele CA349068.

ClinVar aggregate classification (germline): Conflicting classifications of pathogenicity. Review status: criteria provided, conflicting classifications (1 of 4 stars). 6 submissions from 5 submitters: Uncertain significance (5); Likely benign (1). Last evaluated 2025-12-16.

Conditions:
Cardiovascular phenotype. Identifiers: MedGen CN230736.
RAF1-related disorder. Also called: RAF1-related disorders; RAF1-related condition.
RASopathy. Also called: rasopathies; Noonan spectrum disorder. Identifiers: Orphanet 536391, MedGen C5555857, MONDO:0021060.
Noonan syndrome 5 (NS5). Also called: RAF1-Related Noonan Syndrome. Identifiers: Orphanet 648, MedGen C1969057, MONDO:0012690, OMIM 611553. Disease mechanism: gain of function.
LEOPARD syndrome 2 (LPRD2). Also called: RAF1-Related LEOPARD Syndrome. Identifiers: Orphanet 500, MedGen C1969056, MONDO:0012691, OMIM 611554.

Allele frequency attached by ClinVar (database versions not stated): gnomAD 0.00001; ExAC 0.00002; gnomAD exomes 0.00002 and 0.00003; TOPMed 0.00002; ESP Exome Variant Server 0.00008.
gnomAD v4.1: 43 of 1,614,034 alleles (0.0027%); highest among the groups gnomAD compares: Non-Finnish European, 0.0036%; no homozygotes.

Submissions (6):

PreventionGenetics, part of Exact Sciences
Classification: Uncertain significance for RAF1-related condition. Last evaluated: 2025-12-16. Review status: criteria provided, single submitter. Criteria: ACMG Guidelines, 2015. Collection method: clinical testing. Allele origin: germline.
Comment: The RAF1 c.462C>G variant is predicted to result in the amino acid substitution p.Ile154Met. To our knowledge, this variant has not been reported in the literature. This variant is reported in 0.0035% of alleles in individuals of European (Non-Finnish) descent in gnomAD v2. However, in gnomAD v4 (available only on GRCh38), this variant is reported in 43 out of ~614,000 alleles, which if more frequent than other known pathogenic variants in RAF1. This variant has conflicting classifications in ClinVar including uncertain and likely benign (Variation ID: 220830). Although we suspect that this variant may be benign, at this time, the clinical significance of this variant is uncertain due to the absence of conclusive functional and genetic evidence.

Ambry Genetics
Classification: Uncertain significance for Cardiovascular phenotype. Last evaluated: 2025-11-15. Review status: criteria provided, single submitter. Criteria: Ambry Variant Classification Scheme 2023. Collection method: clinical testing. Allele origin: germline.
Comment: The p.I154M variant (also known as c.462C>G), located in coding exon 4 of the RAF1 gene, results from a C to G substitution at nucleotide position 462. The isoleucine at codon 154 is replaced by methionine, an amino acid with highly similar properties. This amino acid position is well conserved in available vertebrate species. In addition, this alteration is predicted to be tolerated by in silico analysis. Since supporting evidence is limited at this time, the clinical significance of this alteration remains unclear.

Labcorp Genetics (formerly Invitae), Labcorp
Classification: Uncertain significance for RASopathy. Last evaluated: 2025-06-14. Review status: criteria provided, single submitter. Criteria: Invitae Variant Classification Sherloc (09022015). Collection method: clinical testing. Allele origin: germline.
Comment: This sequence change replaces isoleucine, which is neutral and non-polar, with methionine, which is neutral and non-polar, at codon 154 of the RAF1 protein (p.Ile154Met). This variant is present in population databases (rs367732360, gnomAD 0.004%). This variant has not been reported in the literature in individuals affected with RAF1-related conditions. ClinVar contains an entry for this variant (Variation ID: 220830). Invitae Evidence Modeling incorporating data from in vitro experimental studies (internal data) indicates that this missense variant is not expected to disrupt RAF1 function with a negative predictive value of 80%. In summary, the available evidence is currently insufficient to determine the role of this variant in disease. Therefore, it has been classified as a Variant of Uncertain Significance.

GeneDx
Classification: Uncertain significance. Last evaluated: 2020-03-17. Review status: criteria provided, single submitter. Criteria: GeneDx Variant Classification Process June 2021. Collection method: clinical testing. Allele origin: germline. Affected: yes.
Comment: Has not been previously published as pathogenic or benign to our knowledge; Reported in ClinVar as a variant of uncertain significance (ClinVar Variant ID# 220830; Landrum et al., 2016); Missense variants in this gene are commonly considered pathogenic (Stenson et al., 2014); In silico analysis, which includes protein predictors and evolutionary conservation, supports that this variant does not alter protein structure/function

Illumina Laboratory Services, Illumina
Classification: Likely benign for LEOPARD syndrome 2. Last evaluated: 2018-01-13. Review status: criteria provided, single submitter. Criteria: ICSL Variant Classification Criteria 13 December 2019. Collection method: clinical testing. Allele origin: germline.
Comment: This variant was observed in the ICSL laboratory as part of a predisposition screen in an ostensibly healthy population. It had not been previously curated by ICSL or reported in the Human Gene Mutation Database (HGMD: prior to June 1st, 2018), and was therefore a candidate for classification through an automated scoring system. Utilizing variant allele frequency, disease prevalence and penetrance estimates, and inheritance mode, an automated score was calculated to assess if this variant is too frequent to cause the disease. Based on the score and internal cut-off values, a variant classified as likely benign is not then subjected to further curation. The score for this variant resulted in a classification of likely benign for this disease.

Illumina Laboratory Services, Illumina
Classification: Uncertain significance for Noonan syndrome 5. Last evaluated: 2018-01-13. Review status: criteria provided, single submitter. Criteria: ICSL Variant Classification Criteria 13 December 2019. Collection method: clinical testing. Allele origin: germline.